The following is an entry in ClinVar:

ClinVar aggregate classification (germline): Uncertain significance (1 of 4 stars; one submission).

gnomAD v4.1: 16 of 1,608,348 alleles (0.00099%); highest among the groups gnomAD compares: Non-Finnish European, 0.0014%; no homozygotes.

Submission:

Ambry Genetics
Classification: Uncertain significance. Last evaluated: 2023-12-29. Review status: criteria provided, single submitter. Criteria: Ambry Variant Classification Scheme 2023. Collection method: clinical testing. Allele origin: germline.
Comment: The p.V2576E variant (also known as c.7727T>A), located in coding exon 30 of the POLQ gene, results from a T to A substitution at nucleotide position 7727. The valine at codon 2576 is replaced by glutamic acid, an amino acid with dissimilar properties. This amino acid position is conserved. In addition, this alteration is predicted to be deleterious by in silico analysis. Since supporting evidence is limited at this time, the clinical significance of this alteration remains unclear.

NM_199420.4(POLQ):c.7727T>A (p.Val2576Glu)

Gene: POLQ (DNA polymerase theta; minus strand). Cytogenetic location: 3q13.33.
Variant type: single nucleotide variant.
Coding change: c.7727T>A on transcript NM_199420.4 (MANE Select); coding-DNA position 7727, T replaced by A.
Protein change: p.Val2576Glu; replaces valine 2576 with glutamic acid.
Molecular consequence: missense variant.
Genome position (GRCh38, 1-based): chr3:121,432,350, A>T on the plus strand (T>A on the coding strand, the complement: POLQ is on the minus strand). VCF-style: chr3-121432350-A-T. GRCh37 (hg19) VCF-style: chr3-121151197-A-T.
Other names: short protein forms V2576E.
Identifiers: ClinVar variation 3230174 (VCV003230174.1), dbSNP rs2047501344, ClinGen allele CA354092676.